The following is an entry in ClinVar:

NM_000474.4(TWIST1):c.385_405dup (p.Ala129_Ile135dup)

Gene: TWIST1 (twist family bHLH transcription factor 1; minus strand). Cytogenetic location: 7p21.1.
Variant type: Duplication.
Coding change: c.385_405dup on transcript NM_000474.4 (MANE Select); coding-DNA positions 385 to 405, 21 bases duplicated (GCCGCGCTGCGGAAGATCATC).
Protein change: p.Ala129_Ile135dup.
Molecular consequence: inframe insertion. On other transcripts: non-coding transcript variant (1).
Genome position (GRCh38, 1-based): chr7:19,116,917-19,116,937, GATGATCTTCCGCAGCGCGGC duplicated on the plus strand (GCCGCGCTGCGGAAGATCATC on the coding strand, the reverse complement: TWIST1 is on the minus strand); duplicating any 21 consecutive bases within chr7:19,116,917-19,116,939 gives the same sequence; the c. name uses the placement nearest the transcript's 3' end. VCF-style (leftmost placement, unchanged base first): chr7-19116916-G-GGATGATCTTCCGCAGCGCGGC. GRCh37 (hg19) VCF-style: chr7-19156539-G-GGATGATCTTCCGCAGCGCGGC.
Other names: NM_000474.4(TWIST1):c.385_405dup; p.Ala129_Ile135dup; c.385_405dup (NM_000474.3); c.385_405dup21 (NM_000474.3).
Identifiers: ClinVar variation 931885 (VCV000931885.23), dbSNP rs748476974, ClinGen allele CA4174488.

ClinVar aggregate classification (germline): Pathogenic/Likely pathogenic. Review status: criteria provided, multiple submitters, no conflicts (2 of 4 stars). 9 submissions from 9 submitters: Pathogenic (4); Likely pathogenic (4). 1 of the submissions does not count toward it. Last evaluated 2025-07-03.

Conditions:
Saethre-Chotzen syndrome (SCS). Also called: ACROCEPHALY, SKULL ASYMMETRY, AND MILD SYNDACTYLY; CHOTZEN SYNDROME; ACS III. Identifiers: Orphanet 794, MedGen C0175699, MONDO:0007042, OMIM 101400.
TWIST1-related craniosynostosis (CRS1). Also called: CRANIOSYNOSTOSIS 1. Identifiers: Orphanet 63440, MedGen C4551902, MONDO:0007399, OMIM 123100. Inheritance: Heterogenous inheritance pattern.
TWIST1-related disorder.
Sweeney-Cox syndrome. Identifiers: MedGen C4540299, MONDO:0060592, OMIM 617746.

Submissions (9):

PreventionGenetics, part of Exact Sciences
Classification: Likely pathogenic for TWIST1-related condition. Last evaluated: 2025-07-03. Review status: criteria provided, single submitter. Criteria: ACMG Guidelines, 2015. Collection method: clinical testing. Allele origin: germline.
Comment: The TWIST1 c.385_405dup21 variant is predicted to result in an in-frame duplication (p.Ala129_Ile135dup). This variant has been reported in individuals with TWIST1-related craniosynostosis, also referred to as Saethre-Chotzen (Passos-Bueno et al. 2008. PubMed ID: 18391498; Paumard-Hernández et al. 2014. PubMed ID: 25271085; Table S1, Aref-Eshghi et al. 2018. PubMed ID: 29304373). This variant is reported in 0.00088% of alleles in individuals of European (Non-Finnish) descent in gnomAD and is reported as pathogenic/likely pathogenic in ClinVar. This variant is interpreted as likely pathogenic.

Labcorp Genetics (formerly Invitae), Labcorp
Classification: Pathogenic for TWIST1-related craniosynostosis; Saethre-Chotzen syndrome. Last evaluated: 2025-04-16. Review status: criteria provided, single submitter. Criteria: Invitae Variant Classification Sherloc (09022015). Collection method: clinical testing. Allele origin: germline.
Comment: This variant, c.385_405dup, results in the insertion of 7 amino acid(s) of the TWIST1 protein (p.Ala129_Ile135dup), but otherwise preserves the integrity of the reading frame. This variant is present in population databases (rs748476974, gnomAD 0.0009%). This variant has been observed in individual(s) with clinical features of Saethre-Chotzen syndrome (PMID: 18391498, 25271085; internal data). In at least one individual the variant was observed to be de novo. ClinVar contains an entry for this variant (Variation ID: 931885). This protein change is located in a region of the TWIST1 protein where a significant number of previously reported TWIST1 in-frame insertion mutations are found (PMID: 29304373, 8988166, 9259286, 31754721). For these reasons, this variant has been classified as Pathogenic.

Dasa
Classification: Pathogenic. Last evaluated: 2025-04-03. Review status: criteria provided, single submitter. Criteria: DASA Assertion Criteria. Collection method: clinical testing. Allele origin: germline.
Comment: NM_000474.4(TWIST1):c.385_405dup (p.Ala129_Ile135dup) is an in-frame duplication predicted to duplicate amino acids from alanine at protein position 129 through isoleucine at protein position 135 without shifting the reading frame. This variant has been reported in individuals with TWIST1-related disorders (PMID: 8988166). This variant has been reported as a de novo occurrence in an affected individual (PMID: 8988166). Segregation data support an association with disease in the reported family/families (PMID: 8988166). Also, this variant is rare in population databases. Based on the currently available evidence, this variant is classified as pathogenic.

Broad Center for Mendelian Genomics, Broad Institute of MIT and Harvard
Classification: Likely pathogenic for TWIST1-related craniosynostosis. Last evaluated: 2024-03-12. Review status: criteria provided, single submitter. Criteria: ACMG Guidelines, 2015. Collection method: curation. Allele origin: germline. Inheritance: Autosomal dominant inheritance.
Comment: The p.Ala129_Ile135dup variant in TWIST1 has been previously reported in 7 unrelated individuals with TWIST1-related craniosynostosis (PMID: 25271085, PMID: 33726816, PMID: 29304373, PMID: 8988166, PMID: 16251895, ClinVar SCV001437553.1), and segregated with disease in 7 affected relatives from one family (PMID: 8988166) but has been identified in 0.0009% (1/113108) of European (non-Finnish) chromosomes by the Genome Aggregation Database (gnomAD; dbSNP ID: rs748476974). Although this variant has been seen in the general population in a heterozygous state, its frequency is not high enough to rule out a pathogenic role. The number of reported affected individuals with this variant is slightly greater than expected compared to non-affected individuals with this variant. This variant was found to be de novo in one individual with confirmed paternity and maternity (ClinVar SCV001437553.1). This variant has also been reported in ClinVar (Variation ID: 931885) and has conflicting interpretations of pathogenicity. This variant is an insertion of 7 amino acids at position 129 and is not predicted to alter the protein reading-frame. This insertion is expected to impact the protein. The p.Ala129_Ile135dup variant is located in a region of TWIST1 that is essential to protein function, suggesting that this variant is in a functional domain and slightly supports pathogenicity (PMID: 8988166). In summary, although additional studies are required to fully establish its clinical significance, this variant is likely pathogenic for autosomal dominant TWIST1-related craniosynostosis. ACMG/AMP Criteria applied: PS2_Supporting, PS4_Moderate, PM1_Supporting, PM4, PP1_Moderate (Richards 2015).

GeneDx
Classification: Pathogenic. Last evaluated: 2023-07-13. Review status: criteria provided, single submitter. Criteria: GeneDx Variant Classification Process June 2021. Collection method: clinical testing. Allele origin: germline.
Comment: In-frame insertion of 7 amino acids in a non-repeat region; Not observed at significant frequency in large population cohorts (gnomAD); This variant is associated with the following publications: (PMID: 25271085)

Greenwood Genetic Center Diagnostic Laboratories, Greenwood Genetic Center
Classification: Likely pathogenic for TWIST1-related disorder. Last evaluated: 2023-05-17. Review status: criteria provided, single submitter. Criteria: ACMG Guidelines, 2015. Collection method: clinical testing. Allele origin: germline. Affected: yes.
Comment: PS4_Moderate, PM2, PM4, PP1

Blueprint Genetics
Classification: Pathogenic for TWIST1-related disorders. Last evaluated: 2022-06-13. Review status: criteria provided, single submitter. Criteria: ACMG Guidelines, 2015. Collection method: clinical testing. Allele origin: germline. Affected: yes. Observed: 5 variant alleles.

Department of Medical Genetics, Oslo University Hospital
Classification: Likely pathogenic for Saethre-Chotzen syndrome. Review status: criteria provided, single submitter. Criteria: ACMG Guidelines, 2015. Collection method: clinical testing. Allele origin: de novo. Affected: yes. Observed: 1 variant allele, 1 heterozygote.

Centre for Mendelian Genomics, University Medical Centre Ljubljana
Classification: Uncertain significance for Sweeney-Cox syndrome. Last evaluated: 2020-03-17. Review status: flagged submission. Criteria: ACMG Guidelines, 2015. Collection method: clinical testing. Allele origin: unknown. Affected: yes. Not counted in ClinVar's aggregate classification.
Comment: This variant was classified as: Uncertain significance. The available evidence on this variant's pathogenicity is insufficient or conflicting. The following ACMG criteria were applied in classifying this variant: PM2,PM4.
ClinVar note: Reason: Older and outlier claim with insufficient supporting evidence

Literature cited by the submitters: PubMed 18391498 (cited by Labcorp Genetics (formerly Invitae), Labcorp); PubMed 25271085 (cited by Labcorp Genetics (formerly Invitae), Labcorp and Dasa); PubMed 29304373 (cited by Labcorp Genetics (formerly Invitae), Labcorp and Dasa); PubMed 8988166 (cited by Labcorp Genetics (formerly Invitae), Labcorp and Dasa); PubMed 9259286 (cited by Labcorp Genetics (formerly Invitae), Labcorp); PubMed 31754721 (cited by Labcorp Genetics (formerly Invitae), Labcorp); PubMed 16251895 (cited by Dasa); PubMed 33726816 (cited by Dasa); PubMed 39033378 (cited by Broad Center for Mendelian Genomics, Broad Institute of MIT and Harvard).